The following is an entry in ClinVar:

NM_198428.3(BBS9):c.2633-2A>G

Gene: BBS9 (Bardet-Biedl syndrome 9; plus strand). Cytogenetic location: 7p14.3.
Variant type: single nucleotide variant.
Coding change: c.2633-2A>G on transcript NM_198428.3 (MANE Select); the canonical splice acceptor site of the intron before coding-DNA position 2633, A replaced by G.
Molecular consequence: splice acceptor variant. On other transcripts: intron variant (4).
Genome position (GRCh38, 1-based): chr7:33,605,193, A>G. VCF-style: chr7-33605193-A-G. GRCh37 (hg19) VCF-style: chr7-33644805-A-G.
Other names: c.2632+218A>G (NM_001348041.4); c.2360-2A>G (NM_001348038.3); c.2255-2A>G (NM_001348039.3); c.2633-5A>G (NM_001348043.3); c.2618-2A>G (NM_001033605.2); c.2528-2A>G (NM_001033604.2); c.2513-2A>G (NM_014451.4); c.2498-2A>G (NM_001348042.3); and 6 more.
Identifiers: ClinVar variation 960757 (VCV000960757.9), dbSNP rs1864417554, ClinGen allele CA367256608.

ClinVar aggregate classification (germline): Uncertain significance. Review status: criteria provided, multiple submitters, no conflicts (2 of 4 stars). 2 submissions from 2 submitters: Uncertain significance (2). Last evaluated 2023-12-29.

Conditions:
Bardet-Biedl syndrome 9 (BBS9). Identifiers: Orphanet 110, MedGen C1859567, MONDO:0014437, OMIM 615986.
Bardet-Biedl syndrome (BBS). Identifiers: Orphanet 110, MedGen C0752166, MONDO:0015229.

Submissions (2):

Fulgent Genetics
Classification: Uncertain significance for Bardet-Biedl syndrome 9. Last evaluated: 2023-12-29. Review status: criteria provided, single submitter. Criteria: ACMG Guidelines, 2015. Collection method: clinical testing. Allele origin: germline.

Labcorp Genetics (formerly Invitae), Labcorp
Classification: Uncertain significance for Bardet-Biedl syndrome. Last evaluated: 2019-08-30. Review status: criteria provided, single submitter. Criteria: Invitae Variant Classification Sherloc (09022015). Collection method: clinical testing. Allele origin: germline.
Comment: In summary, the available evidence is currently insufficient to determine the role of this variant in disease. Therefore, it has been classified as a Variant of Uncertain Significance. Nucleotide substitutions within the consensus splice site are a relatively common cause of aberrant splicing (PMID: 17576681, 9536098). Algorithms developed to predict the effect of sequence changes on RNA splicing suggest that this variant may disrupt the consensus splice site, but this prediction has not been confirmed by published transcriptional studies. This variant has not been reported in the literature in individuals with BBS9-related conditions. This variant is not present in population databases (ExAC no frequency). This sequence change affects an acceptor splice site in the last intron (intron 22) of the BBS9 gene. While this is not anticipated to result in nonsense mediated decay, it likely alters RNA splicing and results in a disrupted protein product.

Literature cited by the submitters: PubMed 17576681 (cited by Labcorp Genetics (formerly Invitae), Labcorp); PubMed 9536098 (cited by Labcorp Genetics (formerly Invitae), Labcorp).